The following is an entry in ClinVar:

ClinVar aggregate classification (germline): Uncertain significance. Review status: criteria provided, multiple submitters, no conflicts (2 of 4 stars). 4 submissions from 3 submitters: Uncertain significance (4). Last evaluated 2022-06-18.

Conditions:
Cardiovascular phenotype. Identifiers: MedGen CN230736.
Hereditary cancer-predisposing syndrome. Also called: Hereditary Cancer Syndrome; Neoplastic Syndromes, Hereditary; Tumor predisposition; Hereditary neoplastic syndrome. Identifiers: Orphanet 140162, MedGen C0027672, MeSH D009386, MONDO:0015356.
Neurofibromatosis, type 1 (NF1). Also called: Neurofibromatosis, type I; VON RECKLINGHAUSEN DISEASE; NEUROFIBROMATOSIS, TYPE I, SOMATIC; Peripheral type neurofibromatosis. Identifiers: Orphanet 636, MedGen C0027831, MONDO:0018975, OMIM 162200. Disease mechanism: loss of function.

Submissions (4):

Labcorp Genetics (formerly Invitae), Labcorp
Classification: Uncertain significance for Neurofibromatosis, type 1. Last evaluated: 2022-06-18. Review status: criteria provided, single submitter. Criteria: Invitae Variant Classification Sherloc (09022015). Collection method: clinical testing. Allele origin: germline.
Comment: This variant has not been reported in the literature in individuals affected with NF1-related conditions. In summary, the available evidence is currently insufficient to determine the role of this variant in disease. Therefore, it has been classified as a Variant of Uncertain Significance. Advanced modeling of protein sequence and biophysical properties (such as structural, functional, and spatial information, amino acid conservation, physicochemical variation, residue mobility, and thermodynamic stability) performed at Invitae indicates that this missense variant is not expected to disrupt NF1 protein function. ClinVar contains an entry for this variant (Variation ID: 230227). This variant is not present in population databases (gnomAD no frequency). This sequence change replaces valine, which is neutral and non-polar, with alanine, which is neutral and non-polar, at codon 451 of the NF1 protein (p.Val451Ala).

Genome-Nilou Lab
Classification: Uncertain significance for Neurofibromatosis, type 1. Last evaluated: 2022-03-15. Review status: criteria provided, single submitter. Criteria: ACMG Guidelines, 2015. Collection method: clinical testing. Allele origin: germline. Affected: no.

Ambry Genetics
Classification: Uncertain significance for Cardiovascular phenotype; Hereditary cancer-predisposing syndrome. Last evaluated: 2020-12-16. Review status: criteria provided, single submitter. Criteria: Ambry Variant Classification Scheme 2023. Collection method: clinical testing. Allele origin: germline.

Ambry Genetics
Classification: Uncertain significance for Hereditary cancer-predisposing syndrome. Last evaluated: 2015-01-29. Review status: criteria provided, single submitter. Criteria: Ambry Autosomal Dominant and X-Linked criteria (10/2015). Collection method: clinical testing. Allele origin: germline. Observed: 1 variant allele.
Comment: The p.V451A variant (also known as c.1352T>C), located in coding exon 12 of the NF1 gene, results from a T to C substitution at nucleotide position 1352. The valine at codon 451 is replaced by alanine, an amino acid with similar properties. This variant was not reported in population based cohorts in the following databases: Database of Single Nucleotide Polymorphisms (dbSNP), NHLBI Exome Sequencing Project (ESP), and 1000 Genomes Project. In the ESP, this variant was not observed in 6503 samples (13006 alleles) with coverage at this position. To date, this alteration has been detected with an allele frequency of approximately 0.003% (greater than 30000alleles tested) in our clinical cohort.This amino acid position is highly conserved in available vertebrate species. In addition, this alteration is predicted to be tolerated by in silico analysis.Since supporting evidence is limited at this time, the clinical significance of p.V451Aremains unclear.

NM_001042492.3(NF1):c.1352T>C (p.Val451Ala)

Gene: NF1 (neurofibromin 1; plus strand). Cytogenetic location: 17q11.2.
Variant type: single nucleotide variant.
Coding change: c.1352T>C on transcript NM_001042492.3 (MANE Select); coding-DNA position 1352, T replaced by C.
Protein change: p.Val451Ala; replaces valine 451 with alanine.
Molecular consequence: missense variant.
Genome position (GRCh38, 1-based): chr17:31,206,331, T>C. VCF-style: chr17-31206331-T-C. GRCh37 (hg19) VCF-style: chr17-29533349-T-C.
Other names: c.1352T>C, p.Val451Ala (NM_000267.4, NM_001128147.3); short protein forms V451A.
Identifiers: ClinVar variation 230227 (VCV000230227.12), dbSNP rs747466938, ClinGen allele CA10580220.
Genomic context (GRCh38, chr17:31,206,331, plus strand): 5'-CTGTGTATTGTCACTCGGTTGAACTTCGAAATATGTTTGGTGAAACACTTCATAAAGCAG[T>C]GCAAGGTTGTGGAGCACACCCAGCAATACGAATGGCACCGGTAAGATAAATCACGAATTT-3'
Protein context (NP_001035957.1, residues 441-461): NMFGETLHKA[Val451Ala]QGCGAHPAIR